The following is an entry in ClinVar:

NM_000443.4(ABCB4):c.3777G>T (p.Leu1259=)

Gene: ABCB4 (ATP binding cassette subfamily B member 4; minus strand). Cytogenetic location: 7q21.12.
Variant type: single nucleotide variant.
Coding change: c.3777G>T on transcript NM_000443.4 (MANE Select); coding-DNA position 3777, G replaced by T.
Protein change: p.Leu1259=; no amino-acid change (leucine 1259 retained).
Molecular consequence: synonymous variant.
Genome position (GRCh38, 1-based): chr7:87,402,159, C>A on the plus strand (G>T on the coding strand, the complement: ABCB4 is on the minus strand). VCF-style: chr7-87402159-C-A. GRCh37 (hg19) VCF-style: chr7-87031475-C-A.
Other names: c.3798G>T, p.Leu1266= (NM_018849.3); c.3636G>T, p.Leu1212= (NM_018850.3).
Identifiers: ClinVar variation 4846528 (VCV004846528.1).
Genomic context (GRCh38, chr7:87,402,159, plus strand): 5'-TAAGTTCTGTGTCCCAGCCTGGACACTGACCATTGAAAAATAGATGCCTTTCTGTGCCAG[C>A]AGCTGCTGATGCGTGCCATGCTCCTTGACTCTCCCATTCTGAAACACCACTATTAAGTCT-3'
Protein context (NP_000434.1, residues 1249-1269): RVKEHGTHQQ[Leu1259=]LAQKGIYFSM

ClinVar aggregate classification (germline): Likely benign (1 of 4 stars; one submission).

Conditions:
Familial intrahepatic cholestasis. Identifiers: Orphanet 284385, MedGen CN296401, MONDO:0017290.
Low phospholipid associated cholelithiasis (GBD1). Also called: Gallbladder disease 1; Gallstone cholecystitis. Identifiers: Orphanet 69663, MedGen C2609268, MONDO:0010939, OMIM 600803.

gnomAD v4.1: 17 of 1,614,080 alleles (0.0011%); highest among the groups gnomAD compares: African/African-American, 0.0013%; no homozygotes.

Submission:

Genomenon, Inc
Classification: Likely benign for Familial intrahepatic cholestasis; Low phospholipid associated cholelithiasis. Last evaluated: 2026-04-14. Review status: criteria provided, single submitter. Criteria: Genomenon Sequence Variant Interpretation Standards - Updated. Collection method: curation. Allele origin: germline. Affected: no.
Comment: ABCB4 c.3777G>T is a synonymous variant that retains Leucine at residue 1259. This variant has been reported in the published literature (PMID:30079523). It is absent or not present at a significant frequency in gnomAD. This synonymous variant is not predicted to impact splicing. In conclusion, we classify ABCB4 p.Leu1259= (c.3777G>T) as a likely benign variant.

Literature cited by the submitters: PubMed 30079523.